The following is an entry in ClinVar:

ClinVar aggregate classification (germline): Likely benign (1 of 4 stars; one submission).

Submission:

GeneDx
Classification: Likely benign. Last evaluated: 2017-05-04. Review status: criteria provided, single submitter. Criteria: GeneDx Variant Classification (06012015). Collection method: clinical testing. Allele origin: germline. Affected: yes.
Comment: This variant is considered likely benign or benign based on one or more of the following criteria: it is a conservative change, it occurs at a poorly conserved position in the protein, it is predicted to be benign by multiple in silico algorithms, and/or has population frequency not consistent with disease.

NM_001278116.2(L1CAM):c.3039C>G (p.Ala1013=)

Gene: L1CAM (L1 cell adhesion molecule; minus strand). Cytogenetic location: Xq28.
Variant type: single nucleotide variant.
Coding change: c.3039C>G on transcript NM_001278116.2 (MANE Select); coding-DNA position 3039, C replaced by G.
Protein change: p.Ala1013=; no amino-acid change (alanine 1013 retained).
Molecular consequence: synonymous variant.
Genome position (GRCh38, 1-based): chrX:153,864,828, G>C on the plus strand (C>G on the coding strand, the complement: L1CAM is on the minus strand). VCF-style: chrX-153864828-G-C. GRCh37 (hg19) VCF-style: chrX-153130283-G-C.
Other names: c.3039C>G, p.Ala1013= (NM_000425.5, NM_024003.3); c.3024C>G, p.Ala1008= (NM_001143963.2).
Identifiers: ClinVar variation 509479 (VCV000509479.1), dbSNP rs1557090222, ClinGen allele CA519343263.